The following is an entry in ClinVar:

ClinVar aggregate classification (germline): Benign/Likely benign. Review status: criteria provided, multiple submitters, no conflicts (2 of 4 stars). 4 submissions from 4 submitters: Benign (1); Likely benign (3). Last evaluated 2026-01-21.

Conditions:
Junctional epidermolysis bullosa with pyloric atresia. Also called: CARMI SYNDROME; EPIDERMOLYSIS BULLOSA, JUNCTIONAL 5B, WITH PYLORIC ATRESIA; APLASIA CUTIS CONGENITA WITH GASTROINTESTINAL ATRESIA; EB-PA-ACC; ITGB4-Related Epidermolysis Bullosa with Pyloric Atresia; Epidermolysis bullosa, junctional, with pyloric atresia and aplasia cutis congenita. Identifiers: Orphanet 79403, MedGen C5676875, MONDO:0009183, OMIM 226730.

Allele frequency attached by ClinVar (database versions not stated): gnomAD exomes 0.00015 and 0.00045; ExAC 0.00065; gnomAD 0.00145 and 0.00146; ESP Exome Variant Server 0.00177; TOPMed 0.00178; 1000 Genomes Project 30x 0.00328; 1000 Genomes Project 0.00339.
gnomAD v4.1: 451 of 1,614,068 alleles (0.028%); highest among the groups gnomAD compares: African/African-American, 0.45%; 1 homozygote.

Submissions (4):

Labcorp Genetics (formerly Invitae), Labcorp
Classification: Benign. Last evaluated: 2026-01-21. Review status: criteria provided, single submitter. Criteria: Invitae Variant Classification Sherloc (09022015). Collection method: clinical testing. Allele origin: germline.

Blueprint Genetics
Classification: Likely benign. Last evaluated: 2024-11-01. Review status: criteria provided, single submitter. Criteria: ACMG Guidelines, 2015. Collection method: clinical testing. Allele origin: germline.

Illumina Laboratory Services, Illumina
Classification: Likely benign for Junctional epidermolysis bullosa with pyloric atresia. Last evaluated: 2018-01-13. Review status: criteria provided, single submitter. Criteria: ICSL Variant Classification Criteria 13 December 2019. Collection method: clinical testing. Allele origin: germline.
Comment: This variant was observed in the ICSL laboratory as part of a predisposition screen in an ostensibly healthy population. It had not been previously curated by ICSL or reported in the Human Gene Mutation Database (HGMD: prior to June 1st, 2018), and was therefore a candidate for classification through an automated scoring system. Utilizing variant allele frequency, disease prevalence and penetrance estimates, and inheritance mode, an automated score was calculated to assess if this variant is too frequent to cause the disease. Based on the score and internal cut-off values, a variant classified as likely benign is not then subjected to further curation. The score for this variant resulted in a classification of likely benign for this disease.

Breakthrough Genomics
Classification: Likely benign. Review status: criteria provided, single submitter. Criteria: ACMG Guidelines, 2015. Collection method: not provided. Allele origin: germline. Inheritance: Autosomal recessive inheritance. Affected: yes.

NM_000213.5(ITGB4):c.1533G>A (p.Pro511=)

Gene: ITGB4 (integrin subunit beta 4; plus strand). Cytogenetic location: 17q25.1.
Variant type: single nucleotide variant.
Coding change: c.1533G>A on transcript NM_000213.5 (MANE Select); coding-DNA position 1533, G replaced by A.
Protein change: p.Pro511=; no amino-acid change (proline 511 retained).
Molecular consequence: synonymous variant.
Genome position (GRCh38, 1-based): chr17:75,733,568, G>A. VCF-style: chr17-75733568-G-A. GRCh37 (hg19) VCF-style: chr17-73729649-G-A.
Other names: c.1533G>A, p.Pro511= (NM_001005619.2, NM_001005731.3, NM_001321123.2).
Identifiers: ClinVar variation 325142 (VCV000325142.15), dbSNP rs148312483, ClinGen allele CA8769050.
Genomic context (GRCh38, chr17:75,733,568, plus strand): 5'-CTGCTCCACCGGCTCTCTGAGTGACATTCAGCCCTGCCTGCGGGAGGGCGAGGACAAGCC[G>A]TGCTCCGGCCGTGGGGAGTGCCAGTGCGGGCACTGTGTGTGCTACGGCGAAGGCCGCTAC-3'
Protein context (NP_000204.3, residues 501-521): QPCLREGEDK[Pro511=]CSGRGECQCG